The following is an entry in ClinVar:

ClinVar aggregate classification (germline): Uncertain significance (1 of 4 stars; one submission).

Conditions:
Early-infantile DEE. Also called: Early infantile epileptic encephalopathy; Ohtahara syndrome; Early infantile epileptic encephalopathy with suppression bursts. Identifiers: Orphanet 1934, MedGen C0393706, MONDO:0800491.

Allele frequency attached by ClinVar (database versions not stated): gnomAD exomes 0.00001; ExAC 0.00002; gnomAD 0.00002; TOPMed 0.00002.
gnomAD v4.1: 18 of 1,614,060 alleles (0.0011%); highest among the groups gnomAD compares: East Asian, 0.0045%; no homozygotes.

Submission:

Labcorp Genetics (formerly Invitae), Labcorp
Classification: Uncertain significance for Early-infantile DEE. Last evaluated: 2019-11-15. Review status: criteria provided, single submitter. Criteria: Invitae Variant Classification Sherloc (09022015). Collection method: clinical testing. Allele origin: germline.
Comment: In summary, the available evidence is currently insufficient to determine the role of this variant in disease. Therefore, it has been classified as a Variant of Uncertain Significance. Algorithms developed to predict the effect of missense changes on protein structure and function output the following: SIFT: "Tolerated"; PolyPhen-2: "Benign"; Align-GVGD: "Class C0". The serine amino acid residue is found in multiple mammalian species, suggesting that this missense change does not adversely affect protein function. These predictions have not been confirmed by published functional studies and their clinical significance is uncertain. This variant has not been reported in the literature in individuals with SPTAN1-related conditions. This variant is present in population databases (rs780658978, ExAC 0.02%). This sequence change replaces glycine with serine at codon 1793 of the SPTAN1 protein (p.Gly1793Ser). The glycine residue is weakly conserved and there is a small physicochemical difference between glycine and serine.

NM_001130438.3(SPTAN1):c.5377G>A (p.Gly1793Ser)

Gene: SPTAN1 (spectrin alpha, non-erythrocytic 1; plus strand). Cytogenetic location: 9q34.11.
Variant type: single nucleotide variant.
Coding change: c.5377G>A on transcript NM_001130438.3 (MANE Select); coding-DNA position 5377, G replaced by A.
Protein change: p.Gly1793Ser; replaces glycine 1793 with serine.
Molecular consequence: missense variant.
Genome position (GRCh38, 1-based): chr9:128,617,659, G>A. VCF-style: chr9-128617659-G-A. GRCh37 (hg19) VCF-style: chr9-131379938-G-A.
Other names: c.5302G>A, p.Gly1768Ser (NM_001195532.2); c.5377G>A, p.Gly1793Ser (NM_001363759.2, NM_001375310.1, NM_001375311.2 and 1 more transcripts); c.5317G>A, p.Gly1773Ser (NM_001363765.2, NM_001375314.2); c.5413G>A, p.Gly1805Ser (NM_001375312.2, NM_001375318.1); c.5362G>A, p.Gly1788Ser (NM_003127.4); short protein forms G1793S, G1768S, G1805S, G1773S, G1788S.
Identifiers: ClinVar variation 959420 (VCV000959420.10), dbSNP rs780658978, ClinGen allele CA5265448.